The following is an entry in ClinVar:

NM_001735.3(C5):c.68dup (p.Tyr23Ter)

Gene: C5 (complement C5; minus strand). Cytogenetic location: 9q33.2.
Variant type: Duplication.
Coding change: c.68dup on transcript NM_001735.3 (MANE Select); coding-DNA position 68, one base duplicated (A; older notation c.68dupA).
Protein change: p.Tyr23Ter; replaces tyrosine 23 with a stop codon.
Molecular consequence: nonsense.
Genome position (GRCh38, 1-based): chr9:121,046,381, T duplicated on the plus strand (A on the coding strand, the reverse complement: C5 is on the minus strand). VCF-style (leftmost placement, unchanged base first): chr9-121046380-A-AT. GRCh37 (hg19) VCF-style: chr9-123808658-A-AT.
Other names: c.86dup, p.Tyr29Ter (NM_001317163.2); c.68dup, p.Tyr23Ter (NM_001317164.2); short protein forms Y29*, Y23*.
Identifiers: ClinVar variation 1459009 (VCV001459009.6), dbSNP rs759960744, ClinGen allele CA5218466.

ClinVar aggregate classification (germline): Pathogenic (1 of 4 stars; one submission).

Allele frequency attached by ClinVar (database versions not stated): gnomAD exomes below 0.00001 and 0.00002; ExAC 0.00001; TOPMed 0.00001.

Submission:

Labcorp Genetics (formerly Invitae), Labcorp
Classification: Pathogenic. Last evaluated: 2025-03-18. Review status: criteria provided, single submitter. Criteria: Invitae Variant Classification Sherloc (09022015). Collection method: clinical testing. Allele origin: germline.
Comment: This sequence change creates a premature translational stop signal (p.Tyr23*) in the C5 gene. It is expected to result in an absent or disrupted protein product. Loss-of-function variants in C5 are known to be pathogenic (PMID: 7730648, 19414197, 27026170). This variant is present in population databases (rs759960744, gnomAD 0.0009%). This variant has not been reported in the literature in individuals affected with C5-related conditions. ClinVar contains an entry for this variant (Variation ID: 1459009). For these reasons, this variant has been classified as Pathogenic.

Literature cited by the submitters: PubMed 7730648; PubMed 19414197; PubMed 27026170.